The following is an entry in ClinVar:

NM_030780.5(SLC25A32):c.581C>T (p.Ser194Leu)

Gene: SLC25A32 (solute carrier family 25 member 32; minus strand). Cytogenetic location: 8q22.3.
Variant type: single nucleotide variant.
Coding change: c.581C>T on transcript NM_030780.5 (MANE Select); coding-DNA position 581, C replaced by T.
Protein change: p.Ser194Leu; replaces serine 194 with leucine.
Molecular consequence: missense variant. On other transcripts: non-coding transcript variant (2).
Genome position (GRCh38, 1-based): chr8:103,402,026, G>A on the plus strand (C>T on the coding strand, the complement: SLC25A32 is on the minus strand). VCF-style: chr8-103402026-G-A. GRCh37 (hg19) VCF-style: chr8-104414254-G-A.
Other names: short protein forms S194L.
Identifiers: ClinVar variation 1901447 (VCV001901447.5), dbSNP rs758288781, ClinGen allele CA4835427.
Genomic context (GRCh38, chr8:103,402,026, plus strand): 5'-ATATGCTGGTTGTACTTCAACTTCAGCAATTCATATGCCATAAACTGAAGGGCACCATGC[G>A]ATGTTCCAAACAGCCCAGGAACAAATCCCTACAAGGGAATGATTTTTAAAAAGCAAAACA-3'
Protein context (NP_110407.2, residues 184-204): KGFVPGLFGT[Ser194Leu]HGALQFMAYE

ClinVar aggregate classification (germline): Uncertain significance (1 of 4 stars; one submission).

Allele frequency attached by ClinVar (database versions not stated): gnomAD exomes 0.00002; TOPMed 0.00002; ExAC 0.00003; gnomAD 0.00005.
gnomAD v4.1: 38 of 1,612,670 alleles (0.0024%); highest among the groups gnomAD compares: Middle Eastern, 0.017%; no homozygotes.

Submission:

Labcorp Genetics (formerly Invitae), Labcorp
Classification: Uncertain significance. Last evaluated: 2024-04-22. Review status: criteria provided, single submitter. Criteria: Invitae Variant Classification Sherloc (09022015). Collection method: clinical testing. Allele origin: germline.
Comment: This sequence change replaces serine, which is neutral and polar, with leucine, which is neutral and non-polar, at codon 194 of the SLC25A32 protein (p.Ser194Leu). The frequency data for this variant in the population databases is considered unreliable, as metrics indicate poor data quality at this position in the gnomAD database. This variant has not been reported in the literature in individuals affected with SLC25A32-related conditions. ClinVar contains an entry for this variant (Variation ID: 1901447). Advanced modeling of protein sequence and biophysical properties (such as structural, functional, and spatial information, amino acid conservation, physicochemical variation, residue mobility, and thermodynamic stability) performed at Invitae indicates that this missense variant is not expected to disrupt SLC25A32 protein function with a negative predictive value of 80%. In summary, the available evidence is currently insufficient to determine the role of this variant in disease. Therefore, it has been classified as a Variant of Uncertain Significance.